The following is an entry in ClinVar:

NM_000329.3(RPE65):c.400G>A (p.Val134Ile)

Gene: RPE65 (retinoid isomerohydrolase RPE65; minus strand). Cytogenetic location: 1p31.3.
Variant type: single nucleotide variant.
Coding change: c.400G>A on transcript NM_000329.3 (MANE Select); coding-DNA position 400, G replaced by A.
Protein change: p.Val134Ile; replaces valine 134 with isoleucine.
Molecular consequence: missense variant.
Genome position (GRCh38, 1-based): chr1:68,444,626, C>T on the plus strand (G>A on the coding strand, the complement: RPE65 is on the minus strand). VCF-style: chr1-68444626-C-T. GRCh37 (hg19) VCF-style: chr1-68910309-C-T.
Other names: c.292G>A, p.Val98Ile (NM_001406853.1); c.124G>A, p.Val42Ile (NM_001406856.1, NM_001406857.1); c.400G>A, p.Val134Ile (NM_001406859.1, NM_001406860.1); short protein forms V134I, V42I, V98I.
Identifiers: ClinVar variation 2935213 (VCV002935213.3), dbSNP rs745750377, ClinGen allele CA902514.

ClinVar aggregate classification (germline): Uncertain significance (1 of 4 stars; one submission).

Conditions:
Retinitis pigmentosa 20 (RP20). Identifiers: Orphanet 791, MedGen C3151086, MONDO:0013425, OMIM 613794.
Leber congenital amaurosis 2 (LCA2). Also called: AMAUROSIS CONGENITA OF LEBER II; Autosomal Recessive RPE65-Related Retinal Degeneration. Identifiers: Orphanet 65, MedGen C1859844, MONDO:0008765, OMIM 204100. Disease mechanism: loss of function.

Allele frequency attached by ClinVar (database versions not stated): ExAC 0.00001.

Submission:

Labcorp Genetics (formerly Invitae), Labcorp
Classification: Uncertain significance for Leber congenital amaurosis 2; Retinitis pigmentosa 20. Last evaluated: 2023-03-20. Review status: criteria provided, single submitter. Criteria: Invitae Variant Classification Sherloc (09022015). Collection method: clinical testing. Allele origin: germline.
Comment: In summary, the available evidence is currently insufficient to determine the role of this variant in disease. Therefore, it has been classified as a Variant of Uncertain Significance. Advanced modeling of protein sequence and biophysical properties (such as structural, functional, and spatial information, amino acid conservation, physicochemical variation, residue mobility, and thermodynamic stability) performed at Invitae indicates that this missense variant is not expected to disrupt RPE65 protein function. This variant has not been reported in the literature in individuals affected with RPE65-related conditions. This variant is not present in population databases (gnomAD no frequency). This sequence change replaces valine, which is neutral and non-polar, with isoleucine, which is neutral and non-polar, at codon 134 of the RPE65 protein (p.Val134Ile).